The following is an entry in ClinVar:

ClinVar aggregate classification (germline): Uncertain significance. Review status: criteria provided, multiple submitters, no conflicts (2 of 4 stars). 2 submissions from 2 submitters: Uncertain significance (2). Last evaluated 2025-03-26.

Conditions:
Hereditary cancer-predisposing syndrome. Also called: Tumor predisposition; Hereditary neoplastic syndrome; Neoplastic Syndromes, Hereditary; Hereditary Cancer Syndrome. Identifiers: Orphanet 140162, MedGen C0027672, MeSH D009386, MONDO:0015356.

Submissions (2):

Ambry Genetics
Classification: Uncertain significance for Hereditary cancer-predisposing syndrome. Last evaluated: 2025-03-26. Review status: criteria provided, single submitter. Criteria: Ambry Variant Classification Scheme 2023. Collection method: clinical testing. Allele origin: germline.
Comment: The p.S106N variant (also known as c.317G>A), located in coding exon 3 of the RAD50 gene, results from a G to A substitution at nucleotide position 317. The serine at codon 106 is replaced by asparagine, an amino acid with highly similar properties. This amino acid position is conserved. In addition, this alteration is predicted to be tolerated by in silico analysis. Since supporting evidence is limited at this time, the clinical significance of this alteration remains unclear.

Labcorp Genetics (formerly Invitae), Labcorp
Classification: Uncertain significance for Hereditary cancer-predisposing syndrome. Last evaluated: 2019-05-02. Review status: criteria provided, single submitter. Criteria: Invitae Variant Classification Sherloc (09022015). Collection method: clinical testing. Allele origin: germline.
Comment: In summary, the available evidence is currently insufficient to determine the role of this variant in disease. Therefore, it has been classified as a Variant of Uncertain Significance. Algorithms developed to predict the effect of missense changes on protein structure and function (SIFT, PolyPhen-2, Align-GVGD) all suggest that this variant is likely to be tolerated, but these predictions have not been confirmed by published functional studies and their clinical significance is uncertain. This variant has not been reported in the literature in individuals with RAD50-related conditions. This variant is not present in population databases (ExAC no frequency). This sequence change replaces serine with asparagine at codon 106 of the RAD50 protein (p.Ser106Asn). The serine residue is moderately conserved and there is a small physicochemical difference between serine and asparagine.

NM_005732.4(RAD50):c.317G>A (p.Ser106Asn)

Gene: RAD50 (RAD50 double strand break repair protein; plus strand). Cytogenetic location: 5q31.1.
Variant type: single nucleotide variant.
Coding change: c.317G>A on transcript NM_005732.4 (MANE Select); coding-DNA position 317, G replaced by A.
Protein change: p.Ser106Asn; replaces serine 106 with asparagine.
Molecular consequence: missense variant.
Genome position (GRCh38, 1-based): chr5:132,575,880, G>A. VCF-style: chr5-132575880-G-A. GRCh37 (hg19) VCF-style: chr5-131911572-G-A.
Other names: short protein forms S106N.
Identifiers: ClinVar variation 859324 (VCV000859324.12), dbSNP rs1385187868, ClinGen allele CA360931124.